The following is an entry in ClinVar:

ClinVar aggregate classification (germline): Uncertain significance (1 of 4 stars; one submission).

Conditions:
Hereditary sensory and autonomic neuropathy type 7. Also called: HSAN VII; Neuropathy, hereditary sensory and autonomic, type VII. Identifiers: Orphanet 391397, MedGen C3809882, MONDO:0014244, OMIM 615548.
Familial episodic pain syndrome with predominantly lower limb involvement. Also called: Episodic pain syndrome, familial, 3. Identifiers: Orphanet 391384, Orphanet 391392, MedGen C3809899, MONDO:0014247, OMIM 615552.

Submission:

Labcorp Genetics (formerly Invitae), Labcorp
Classification: Uncertain significance for Familial episodic pain syndrome with predominantly lower limb involvement; Hereditary sensory and autonomic neuropathy type 7. Last evaluated: 2024-10-07. Review status: criteria provided, single submitter. Criteria: Invitae Variant Classification Sherloc (09022015). Collection method: clinical testing. Allele origin: germline.
Comment: This sequence change replaces serine, which is neutral and polar, with glycine, which is neutral and non-polar, at codon 1120 of the SCN11A protein (p.Ser1120Gly). This variant is not present in population databases (gnomAD no frequency). This variant has not been reported in the literature in individuals affected with SCN11A-related conditions. Invitae Evidence Modeling of protein sequence and biophysical properties (such as structural, functional, and spatial information, amino acid conservation, physicochemical variation, residue mobility, and thermodynamic stability) indicates that this missense variant is expected to disrupt SCN11A protein function with a positive predictive value of 80%. In summary, the available evidence is currently insufficient to determine the role of this variant in disease. Therefore, it has been classified as a Variant of Uncertain Significance.

NM_001349253.2(SCN11A):c.3358A>G (p.Ser1120Gly)

Gene: SCN11A (sodium voltage-gated channel alpha subunit 11; minus strand). Cytogenetic location: 3p22.2.
Variant type: single nucleotide variant.
Coding change: c.3358A>G on transcript NM_001349253.2 (MANE Select); coding-DNA position 3358, A replaced by G.
Protein change: p.Ser1120Gly; replaces serine 1120 with glycine.
Molecular consequence: missense variant.
Genome position (GRCh38, 1-based): chr3:38,879,985, T>C on the plus strand (A>G on the coding strand, the complement: SCN11A is on the minus strand). VCF-style: chr3-38879985-T-C. GRCh37 (hg19) VCF-style: chr3-38921476-T-C.
Other names: c.3358A>G, p.Ser1120Gly (NM_014139.3); short protein forms S1120G.
Identifiers: ClinVar variation 3753251 (VCV003753251.2).
Genomic context (GRCh38, chr3:38,879,985, plus strand): 5'-TGGGACACAGAGATGGTAAACTTACAATCACAATGATGAAATCAAGGCAGCACCAGGCAC[T>C]GGTGAAATACTTTCCAAATCCGAAGGCTACCCATTTTAGTACCATCTCCAGGATAAAAAT-3'
Protein context (NP_001336182.1, residues 1110-1130): VAFGFGKYFT[Ser1120Gly]AWCCLDFIIV